The following is an entry in ClinVar:

ClinVar aggregate classification (germline): Uncertain significance (1 of 4 stars; one submission).

Conditions:
Cardiomyopathy (CMYO). Also called: Cardiomyopathies. Identifiers: Orphanet 167848, MedGen C0878544, MONDO:0004994, HP:0001638. Inheritance: Various modes of inheritance.

gnomAD v4.1: 1 of 1,613,970 alleles (0.000062%); highest among the groups gnomAD compares: Non-Finnish European, 0.000085%; no homozygotes.

Submission:

Color Diagnostics, LLC DBA Color Health
Classification: Uncertain significance for Cardiomyopathy. Last evaluated: 2023-12-04. Review status: criteria provided, single submitter. Criteria: ACMG Guidelines, 2015. Collection method: clinical testing. Allele origin: germline.
Comment: Variant of Uncertain Significance due to insufficient evidence: This missense variant is located in the extracellular cadherin domain 3 of the DSC2 protein. Computational prediction tools and conservation analyses are inconclusive regarding the impact of this variant on the protein function. Computational splicing tools suggest that this variant may not impact RNA splicing. To our knowledge, functional assays have not been performed for this variant nor has this variant been reported in individuals affected with cardiovascular disorders in the literature. This variant is rare in the general population and has been identified in 0/277264 chromosomes by the Genome Aggregation Database (gnomAD). Available evidence is insufficient to determine the pathogenicity of this variant conclusively.

NM_024422.6(DSC2):c.1307G>A (p.Gly436Asp)

Gene: DSC2 (desmocollin 2; minus strand). Cytogenetic location: 18q12.1.
Variant type: single nucleotide variant.
Coding change: c.1307G>A on transcript NM_024422.6 (MANE Select); coding-DNA position 1307, G replaced by A.
Protein change: p.Gly436Asp; replaces glycine 436 with aspartic acid.
Molecular consequence: missense variant.
Genome position (GRCh38, 1-based): chr18:31,080,309, C>T on the plus strand (G>A on the coding strand, the complement: DSC2 is on the minus strand). VCF-style: chr18-31080309-C-T. GRCh37 (hg19) VCF-style: chr18-28660275-C-T.
Other names: c.1307G>A, p.Gly436Asp (NM_004949.5); short protein forms G436D.
Identifiers: ClinVar variation 922648 (VCV000922648.5), dbSNP rs763981974, ClinGen allele CA402108853.